The following is an entry in ClinVar:

NM_003482.4(KMT2D):c.8032G>C (p.Glu2678Gln)

Gene: KMT2D (lysine methyltransferase 2D; minus strand). Cytogenetic location: 12q13.12.
Variant type: single nucleotide variant.
Coding change: c.8032G>C on transcript NM_003482.4 (MANE Select); coding-DNA position 8032, G replaced by C.
Protein change: p.Glu2678Gln; replaces glutamic acid 2678 with glutamine.
Molecular consequence: missense variant.
Genome position (GRCh38, 1-based): chr12:49,039,738, C>G on the plus strand (G>C on the coding strand, the complement: KMT2D is on the minus strand). VCF-style: chr12-49039738-C-G. GRCh37 (hg19) VCF-style: chr12-49433521-C-G.
Other names: short protein forms E2678Q.
Identifiers: ClinVar variation 1722314 (VCV001722314.30), dbSNP rs754609531, ClinGen allele CA6546948.

ClinVar aggregate classification (germline): Conflicting classifications of pathogenicity. Review status: criteria provided, conflicting classifications (1 of 4 stars). 3 submissions from 3 submitters: Uncertain significance (2); Likely benign (1). Last evaluated 2023-12-06.

Conditions:
Kabuki syndrome. Also called: NIIKAWA-KUROKI SYNDROME; Kabuki make-up syndrome. Identifiers: Orphanet 2322, MedGen C0796004, MONDO:0016512.
Kabuki syndrome 1 (KABUK1). Also called: KMT2D-Related Kabuki Syndrome. Identifiers: Orphanet 2322, MedGen CN030661, MONDO:0007843, OMIM 147920.

Allele frequency attached by ClinVar (database versions not stated): ExAC 0.00001; gnomAD exomes 0.00002.
gnomAD v4.1: 22 of 1,613,110 alleles (0.0014%); highest among the groups gnomAD compares: Non-Finnish European, 0.0019%; no homozygotes.

Submissions (3):

Labcorp Genetics (formerly Invitae), Labcorp
Classification: Likely benign for Kabuki syndrome. Last evaluated: 2023-12-06. Review status: criteria provided, single submitter. Criteria: Invitae Variant Classification Sherloc (09022015). Collection method: clinical testing. Allele origin: germline.

CeGaT Center for Human Genetics Tuebingen
Classification: Uncertain significance. Last evaluated: 2022-07-01. Review status: criteria provided, single submitter. Criteria: CeGaT Center For Human Genetics Tuebingen Variant Classification Criteria Version 2. Collection method: clinical testing. Allele origin: germline. Affected: yes. Observed: 1 variant allele.
Comment: KMT2D: PP2

CENTOGENE GmbH and LLC - Guiding Precision Medicine
Classification: Uncertain significance for Kabuki syndrome 1. Last evaluated: 2017-05-20. Review status: criteria provided, single submitter. Criteria: ACMG Guidelines, 2015. Collection method: clinical testing. Allele origin: germline. Affected: yes.